The following is an entry in ClinVar:

ClinVar aggregate classification (germline): Uncertain significance (1 of 4 stars; one submission).

Conditions:
Familial thoracic aortic aneurysm and aortic dissection (TAAD). Also called: Thoracic aortic aneurysms and dissections. Identifiers: Orphanet 91387, MedGen C4707243, MONDO:0019625.

Submission:

All of Us Research Program, National Institutes of Health
Classification: Uncertain significance for Familial thoracic aortic aneurysm and aortic dissection. Last evaluated: 2024-08-13. Review status: criteria provided, single submitter. Criteria: ACMG Guidelines, 2015. Collection method: clinical testing. Allele origin: germline. Inheritance: Autosomal dominant inheritance. Observed: 1 variant allele, 1 heterozygote.
Comment: This variant deletes 1 nucleotide in exon 14 of the MYH11 gene, creating a frameshift and premature translation stop signal. This variant is expected to result in an absent or non-functional protein product. To our knowledge, this variant has not been reported in individuals affected with MYH11-related disorders in the literature. This variant has not been identified in the general population by the Genome Aggregation Database (gnomAD). Clinical relevance of loss-of-function MYH11 truncation variants in autosomal dominant cardiovascular disorders is not clearly established. The available evidence is insufficient to determine the role of this variant in disease conclusively. Therefore, this variant is classified as a Variant of Uncertain Significance.

This study involves interpretation of variants in research participants for the purpose of population health screening. Participant phenotype was not available at the time of variant classification. Additional details can be found in publication PMID: 35346344, PMCID: PMC8962531

NM_002474.3(MYH11):c.1548del (p.Gln516fs)

Gene: MYH11 (myosin heavy chain 11; minus strand). Cytogenetic location: 16p13.11.
Variant type: Deletion.
Coding change: c.1548del on transcript NM_002474.3 (MANE Select); coding-DNA position 1548, one base deleted (G; older notation c.1548delG).
Protein change: p.Gln516fs; shifts the reading frame from glutamine 516.
Molecular consequence: frameshift variant.
Genome position (GRCh38, 1-based): chr16:15,757,854, C deleted on the plus strand (G on the coding strand, the reverse complement: MYH11 is on the minus strand). VCF-style (leftmost placement, unchanged base first): chr16-15757853-GC-G. GRCh37 (hg19) VCF-style: chr16-15851710-GC-G.
Other names: c.1569del, p.Gln523fs (NM_001040113.2, NM_001040114.2); c.1548del, p.Gln516fs (NM_022844.3); short protein forms Q516fs, Q523fs.
Identifiers: ClinVar variation 3387237 (VCV003387237.1).
Genomic context (GRCh38, chr16:15,757,853, plus strand): 5'-GTGACGGAGCCCCGCACGCCCACGTGCCCCTCACCGGTCGCTCGATGAGCTCGATGCAGG[GC>G]TGTAGGTCCAGCCCAAAGTCGATGAAGTTCCACTCGATGCCCTCGCGCTGGTACTCCTCC-3'